The following is an entry in ClinVar:

ClinVar aggregate classification (germline): Uncertain significance (1 of 4 stars; one submission).

Conditions:
Cholestanol storage disease (CTX). Also called: Cerebrotendinous Xanthomatosis; CTX: Cerebrotendinous xanthomatosis; CEREBRAL CHOLESTERINOSIS. Identifiers: Orphanet 909, MedGen C0238052, MONDO:0008948, OMIM 213700.

Submission:

Labcorp Genetics (formerly Invitae), Labcorp
Classification: Uncertain significance for Cholestanol storage disease. Last evaluated: 2021-07-29. Review status: criteria provided, single submitter. Criteria: Invitae Variant Classification Sherloc (09022015). Collection method: clinical testing. Allele origin: germline.
Comment: In summary, the available evidence is currently insufficient to determine the role of this variant in disease. Therefore, it has been classified as a Variant of Uncertain Significance. Algorithms developed to predict the effect of missense changes on protein structure and function are either unavailable or do not agree on the potential impact of this missense change (SIFT: "Deleterious"; PolyPhen-2: "Possibly Damaging"; Align-GVGD: "Class C0"). This variant has not been reported in the literature in individuals affected with CYP27A1-related conditions. This variant is not present in population databases (ExAC no frequency). This sequence change replaces glutamic acid with lysine at codon 324 of the CYP27A1 protein (p.Glu324Lys). The glutamic acid residue is highly conserved and there is a small physicochemical difference between glutamic acid and lysine.

NM_000784.4(CYP27A1):c.970G>A (p.Glu324Lys)

Gene: CYP27A1 (cytochrome P450 family 27 subfamily A member 1; plus strand). Cytogenetic location: 2q35.
Variant type: single nucleotide variant.
Coding change: c.970G>A on transcript NM_000784.4 (MANE Select); coding-DNA position 970, G replaced by A.
Protein change: p.Glu324Lys; replaces glutamic acid 324 with lysine.
Molecular consequence: missense variant.
Genome position (GRCh38, 1-based): chr2:218,813,049, G>A. VCF-style: chr2-218813049-G-A. GRCh37 (hg19) VCF-style: chr2-219677772-G-A.
Other names: short protein forms E324K.
Identifiers: ClinVar variation 1393217 (VCV001393217.6), dbSNP rs2105980462, ClinGen allele CA350588833.
Genomic context (GRCh38, chr2:218,813,049, plus strand): 5'-GGCATCCAGGTGTCTGGCTACCTGCACTTCTTACTGGCCAGTGGACAGCTCAGTCCTCGG[G>A]AGGCCATGGGCAGCCTGCCTGAGCTGCTCATGGCTGGAGTGGACACGGTGCGTGAAGGGG-3'
Protein context (NP_000775.1, residues 314-334): LLASGQLSPR[Glu324Lys]AMGSLPELLM